The following is an entry in ClinVar:

NM_012471.3(TRPC5):c.1238-8T>C

Gene: TRPC5 (transient receptor potential cation channel subfamily C member 5; minus strand). Cytogenetic location: Xq23.
Variant type: single nucleotide variant.
Coding change: c.1238-8T>C on transcript NM_012471.3 (MANE Select); 8 bases into the intron before coding-DNA position 1238, T replaced by C.
Molecular consequence: intron variant.
Genome position (GRCh38, 1-based): chrX:111,852,445, A>G on the plus strand (T>C on the coding strand, the complement: TRPC5 is on the minus strand). VCF-style: chrX-111852445-A-G. GRCh37 (hg19) VCF-style: chrX-111095673-A-G.
Identifiers: ClinVar variation 3350135 (VCV003350135.1).

ClinVar aggregate classification (germline): Likely benign (0 of 4 stars; one submission).

Conditions:
TRPC5-related disorder. Also called: TRPC5-related condition.

gnomAD v4.1: 9 of 1,202,755 alleles (0.00075%); highest among the groups gnomAD compares: Non-Finnish European, 0.0009%; no homozygotes.

Submission:

PreventionGenetics, part of Exact Sciences
Classification: Likely benign for TRPC5-related condition. Last evaluated: 2024-09-05. Review status: no assertion criteria provided. Collection method: clinical testing. Allele origin: germline.
Comment: This variant is classified as likely benign based on ACMG/AMP sequence variant interpretation guidelines (Richards et al. 2015 PMID: 25741868, with internal and published modifications).